The following is an entry in ClinVar:

ClinVar aggregate classification (germline): Likely benign (0 of 4 stars; one submission).

Conditions:
PLXNA4-related disorder. Also called: PLXNA4-related condition.

Allele frequency attached by ClinVar (database versions not stated): ESP Exome Variant Server 0.00039.
gnomAD v4.1: 84 of 1,580,242 alleles (0.0053%); highest among the groups gnomAD compares: African/African-American, 0.098%; no homozygotes.

Submission:

PreventionGenetics, part of Exact Sciences
Classification: Likely benign for PLXNA4-related condition. Last evaluated: 2022-10-18. Review status: no assertion criteria provided. Collection method: clinical testing. Allele origin: germline.
Comment: This variant is classified as likely benign based on ACMG/AMP sequence variant interpretation guidelines (Richards et al. 2015 PMID: 25741868, with internal and published modifications).

NM_020911.2(PLXNA4):c.2139C>A (p.Pro713=)

Gene: PLXNA4 (plexin A4; minus strand). Cytogenetic location: 7q32.3.
Variant type: single nucleotide variant.
Coding change: c.2139C>A on transcript NM_020911.2 (MANE Select); coding-DNA position 2139, C replaced by A.
Protein change: p.Pro713=; no amino-acid change (proline 713 retained).
Molecular consequence: synonymous variant.
Genome position (GRCh38, 1-based): chr7:132,211,102, G>T on the plus strand (C>A on the coding strand, the complement: PLXNA4 is on the minus strand). VCF-style: chr7-132211102-G-T. GRCh37 (hg19) VCF-style: chr7-131895861-G-T.
Other names: c.2139C>A, p.Pro713= (NM_001393897.1).
Identifiers: ClinVar variation 3051728 (VCV003051728.2), dbSNP rs369845177, ClinGen allele CA4489882.